The following is an entry in ClinVar:

NM_000111.3(SLC26A3):c.1744C>G (p.Gln582Glu)

Gene: SLC26A3 (solute carrier family 26 member 3; minus strand). Cytogenetic location: 7q22.3.
Variant type: single nucleotide variant.
Coding change: c.1744C>G on transcript NM_000111.3 (MANE Select); coding-DNA position 1744, C replaced by G.
Protein change: p.Gln582Glu; replaces glutamine 582 with glutamic acid.
Molecular consequence: missense variant.
Genome position (GRCh38, 1-based): chr7:107,774,806, G>C on the plus strand (C>G on the coding strand, the complement: SLC26A3 is on the minus strand). VCF-style: chr7-107774806-G-C. GRCh37 (hg19) VCF-style: chr7-107415251-G-C.
Other names: short protein forms Q582E.
Identifiers: ClinVar variation 358540 (VCV000358540.9), dbSNP rs778338646, ClinGen allele CA4433713.

ClinVar aggregate classification (germline): Uncertain significance. Review status: criteria provided, multiple submitters, no conflicts (2 of 4 stars). 2 submissions from 2 submitters: Uncertain significance (2). Last evaluated 2022-07-06.

Conditions:
Congenital secretory diarrhea, chloride type (DIAR1). Also called: DIARRHEA 1, SECRETORY CHLORIDE, CONGENITAL; CHLORIDORRHEA, CONGENITAL; CHLORIDE DIARRHEA, CONGENITAL, FINNISH TYPE. Identifiers: Orphanet 53689, MedGen C0267662, MONDO:0008964, OMIM 214700.

Allele frequency attached by ClinVar (database versions not stated): gnomAD 0.00005 and 0.00006; gnomAD exomes 0.00005; TOPMed 0.00005; ExAC 0.00006.
gnomAD v4.1: 120 of 1,613,928 alleles (0.0074%); highest among the groups gnomAD compares: Non-Finnish European, 0.01%; no homozygotes.

Submissions (2):

Labcorp Genetics (formerly Invitae), Labcorp
Classification: Uncertain significance. Last evaluated: 2022-07-06. Review status: criteria provided, single submitter. Criteria: Invitae Variant Classification Sherloc (09022015). Collection method: clinical testing. Allele origin: germline.
Comment: This sequence change replaces glutamine, which is neutral and polar, with glutamic acid, which is acidic and polar, at codon 582 of the SLC26A3 protein (p.Gln582Glu). This variant is present in population databases (rs778338646, gnomAD 0.009%). This variant has not been reported in the literature in individuals affected with SLC26A3-related conditions. ClinVar contains an entry for this variant (Variation ID: 358540). Advanced modeling of protein sequence and biophysical properties (such as structural, functional, and spatial information, amino acid conservation, physicochemical variation, residue mobility, and thermodynamic stability) performed at Invitae indicates that this missense variant is not expected to disrupt SLC26A3 protein function. In summary, the available evidence is currently insufficient to determine the role of this variant in disease. Therefore, it has been classified as a Variant of Uncertain Significance.

Illumina Laboratory Services, Illumina
Classification: Uncertain significance for Congenital secretory diarrhea, chloride type. Last evaluated: 2018-01-12. Review status: criteria provided, single submitter. Criteria: ICSL Variant Classification Criteria 13 December 2019. Collection method: clinical testing. Allele origin: germline.